The following is an entry in ClinVar:

NM_006939.4(SOS2):c.800T>G (p.Met267Arg)

Gene: SOS2 (SOS Ras/Rho guanine nucleotide exchange factor 2; minus strand). Cytogenetic location: 14q21.3.
Variant type: single nucleotide variant.
Coding change: c.800T>G on transcript NM_006939.4 (MANE Select); coding-DNA position 800, T replaced by G.
Protein change: p.Met267Arg; replaces methionine 267 with arginine.
Molecular consequence: missense variant.
Genome position (GRCh38, 1-based): chr14:50,182,521, A>C on the plus strand (T>G on the coding strand, the complement: SOS2 is on the minus strand). VCF-style: chr14-50182521-A-C. GRCh37 (hg19) VCF-style: chr14-50649239-A-C.
Other names: short protein forms M267R.
Identifiers: ClinVar variation 577079 (VCV000577079.24), dbSNP rs797045167, ClinGen allele CA16021011.

ClinVar aggregate classification (germline): Pathogenic/Likely pathogenic. Review status: criteria provided, multiple submitters, no conflicts (2 of 4 stars). 9 submissions from 9 submitters: Pathogenic (6); Likely pathogenic (1). 2 of the submissions do not count toward it. Last evaluated 2025-12-23.

Conditions:
SOS2-related disorder. Also called: SOS2-related condition.
Noonan syndrome (NS). Also called: Noonan's syndrome. Identifiers: Orphanet 648, MedGen C0028326, MeSH D009634, MONDO:0018997. Disease mechanism: gain of function.
Noonan syndrome 9 (NS9). Identifiers: Orphanet 648, MedGen C4225282, MONDO:0014691, OMIM 616559.
RASopathy. Also called: rasopathies; Noonan spectrum disorder. Identifiers: Orphanet 536391, MedGen C5555857, MONDO:0021060.

Submissions (9):

Labcorp Genetics (formerly Invitae), Labcorp
Classification: Pathogenic for Noonan syndrome 9. Last evaluated: 2025-12-23. Review status: criteria provided, single submitter. Criteria: Invitae Variant Classification Sherloc (09022015). Collection method: clinical testing. Allele origin: germline.
Comment: This sequence change replaces methionine, which is neutral and non-polar, with arginine, which is basic and polar, at codon 267 of the SOS2 protein (p.Met267Arg). This variant is not present in population databases (gnomAD no frequency). This missense change has been observed in individuals with Noonan syndrome (PMID: 26173643; internal data). ClinVar contains an entry for this variant (Variation ID: 577079). Invitae Evidence Modeling of protein sequence and biophysical properties (such as structural, functional, and spatial information, amino acid conservation, physicochemical variation, residue mobility, and thermodynamic stability) has been performed for this missense variant. However, the output from this modeling did not meet the statistical confidence thresholds required to predict the impact of this variant on SOS2 protein function. Experimental studies have shown that this missense change affects SOS2 function (PMID: 26173643). This variant disrupts the p.Met267 amino acid residue in SOS2. Other variant(s) that disrupt this residue have been determined to be pathogenic (PMID: 25795793). This suggests that this residue is clinically significant, and that variants that disrupt this residue are likely to be disease-causing. For these reasons, this variant has been classified as Pathogenic.

Blueprint Genetics
Classification: Pathogenic for SOS2-related disorders. Last evaluated: 2024-05-10. Review status: criteria provided, single submitter. Criteria: ACMG Guidelines, 2015. Collection method: clinical testing. Allele origin: germline. Affected: yes. Observed: 2 variant alleles.

GeneDx
Classification: Pathogenic. Last evaluated: 2022-10-17. Review status: criteria provided, single submitter. Criteria: GeneDx Variant Classification Process June 2021. Collection method: clinical testing. Allele origin: germline. Affected: yes.
Comment: Published functional studies demonstrate variant promotes enhanced phosphorylation of extracellular signal-regulated kinase (ERK) compared to wild type protein (Cordeddu et al., 2015); Not observed in large population cohorts (gnomAD); In silico analysis, which includes protein predictors and evolutionary conservation, supports a deleterious effect; This variant is associated with the following publications: (PMID: 30707178, 26173643, 27942422, 29696775, 30417923, 32788663)

Women's Health and Genetics/Laboratory Corporation of America, LabCorp
Classification: Pathogenic for RASopathy. Last evaluated: 2022-06-20. Review status: criteria provided, single submitter. Criteria: LabCorp Variant Classification Summary - May 2015. Collection method: clinical testing. Allele origin: germline.
Comment: Variant summary: SOS2 c.800T>G (p.Met267Arg) results in a non-conservative amino acid change located in the Dbl homology (DH) domain (IPR000219) of the encoded protein sequence. Five of five in-silico tools predict a damaging effect of the variant on protein function. The variant was absent in 251306 control chromosomes (gnomAD). c.800T>G has been reported in the literature in multiple individuals affected with Noonan Syndrome (Cordeddu_2015, Bessis_2019, Lissewski_2021, Lallar_2021). These data indicate that the variant is very likely to be associated with disease. At least one functional study reports this variant increases RAS and MEK/ERK activation (Cordeddu_2015). Four other clinical diagnostic laboratories have submitted clinical-significance assessments for this variant to ClinVar after 2014 without evidence for independent evaluation. All laboratories classified the variant as pathogenic (n=3) / likely pathogenic (n=1). Based on the evidence outlined above, the variant was classified as pathogenic.

Department of Human Genetics, University Hospital Magdeburg
Classification: Pathogenic for Noonan syndrome 9. Last evaluated: 2020-07-02. Review status: criteria provided, single submitter. Criteria: ClinGen's RASopathy Expert Panel Guidelines, 2018. Collection method: clinical testing. Allele origin: de novo. Inheritance: Autosomal dominant inheritance. Affected: yes. Observed: 6 variant alleles.
Comment: This variant has been previously reported as pathogenic including well-established functional studies (PS1 and PS3). It is absent from gnomAD (PM2). Variants at the analogous position in SOS1 (c.806T>G and c.806T>C) have been classified as pathogenic (PM5_Strong). The REVEL score of this variant is 0.919 (PP3) and the variant has been classified as likely pathogenic in ClinVar (PP5).

Centre for Mendelian Genomics, University Medical Centre Ljubljana
Classification: Pathogenic for Noonan syndrome 9. Last evaluated: 2020-03-23. Review status: criteria provided, single submitter. Criteria: ACMG Guidelines, 2015. Collection method: clinical testing. Allele origin: unknown. Affected: yes.
Comment: This variant was classified as: Pathogenic. The following ACMG criteria were applied in classifying this variant: PS3,PM2,PM5,PP3.

Genome-Nilou Lab
Classification: Likely pathogenic for Noonan syndrome 9. Review status: criteria provided, single submitter. Criteria: ACMG Guidelines, 2015. Collection method: clinical testing. Allele origin: germline.

PreventionGenetics, part of Exact Sciences
Classification: Pathogenic for SOS2-related condition. Last evaluated: 2023-11-29. Review status: no assertion criteria provided. Collection method: clinical testing. Allele origin: germline. Not counted in ClinVar's aggregate classification.
Comment: The SOS2 c.800T>G variant is predicted to result in the amino acid substitution p.Met267Arg. This variant as been reported in multiple individuals with Noonan syndrome, being documented as occurring de novo in at least one individual (Cordeddu et al. 2015. PubMed ID: 26173643; Lissewski et al. 2020. PubMed ID: 32788663). This variant has not been reported in a large population database, indicating this variant is rare. Alternative substitutions (Lys, Thr) at this amino acid position have also been reported as causative for Noonan syndrome (Yamamoto et al. 2015. PubMed ID: 25795793; Lissewski et al. 2021. PubMed ID: 32788663). This variant is interpreted as pathogenic.

Service de Génétique Moléculaire, Hôpital Robert Debré
Classification: Pathogenic for Noonan syndrome. Review status: no assertion criteria provided. Collection method: clinical testing. Allele origin: de novo. Affected: yes. Not counted in ClinVar's aggregate classification.

Literature cited by the submitters: PubMed 26173643 (cited by 3 submitters); PubMed 25795793 (cited by Labcorp Genetics (formerly Invitae), Labcorp and Women's Health and Genetics/Laboratory Corporation of America, LabCorp); PubMed 30417923 (cited by Women's Health and Genetics/Laboratory Corporation of America, LabCorp); PubMed 30707178 (cited by Women's Health and Genetics/Laboratory Corporation of America, LabCorp); PubMed 27942422 (cited by Women's Health and Genetics/Laboratory Corporation of America, LabCorp); PubMed 32788663 (cited by Women's Health and Genetics/Laboratory Corporation of America, LabCorp); PubMed 33452774 (cited by Women's Health and Genetics/Laboratory Corporation of America, LabCorp).